The following is an entry in ClinVar:

NM_030957.4(ADAMTS10):c.457G>A (p.Glu153Lys)

Gene: ADAMTS10 (ADAM metallopeptidase with thrombospondin type 1 motif 10; minus strand). Cytogenetic location: 19p13.2.
Variant type: single nucleotide variant.
Coding change: c.457G>A on transcript NM_030957.4 (MANE Select); coding-DNA position 457, G replaced by A.
Protein change: p.Glu153Lys; replaces glutamic acid 153 with lysine.
Molecular consequence: missense variant.
Genome position (GRCh38, 1-based): chr19:8,603,863, C>T on the plus strand (G>A on the coding strand, the complement: ADAMTS10 is on the minus strand). VCF-style: chr19-8603863-C-T. GRCh37 (hg19) VCF-style: chr19-8668747-C-T.
Other names: c.457G>A (NM_030957.2); short protein forms E153K.
Identifiers: ClinVar variation 1419125 (VCV001419125.4), dbSNP rs373995310, ClinGen allele CA9160822.

ClinVar aggregate classification (germline): Uncertain significance. Review status: criteria provided, multiple submitters, no conflicts (2 of 4 stars). 2 submissions from 2 submitters: Uncertain significance (2). Last evaluated 2022-11-09.

Conditions:
Inborn genetic diseases. Identifiers: MedGen C0950123, MeSH D030342.

Allele frequency attached by ClinVar (database versions not stated): gnomAD 0.00002; ExAC 0.00003; gnomAD exomes 0.00003; TOPMed 0.00003; ESP Exome Variant Server 0.00008.

Submissions (2):

Ambry Genetics
Classification: Uncertain significance for Inborn genetic diseases. Last evaluated: 2022-11-09. Review status: criteria provided, single submitter. Criteria: Ambry Variant Classification Scheme 2023. Collection method: clinical testing. Allele origin: germline.

Labcorp Genetics (formerly Invitae), Labcorp
Classification: Uncertain significance. Last evaluated: 2022-06-11. Review status: criteria provided, single submitter. Criteria: Invitae Variant Classification Sherloc (09022015). Collection method: clinical testing. Allele origin: germline.
Comment: This sequence change replaces glutamic acid, which is acidic and polar, with lysine, which is basic and polar, at codon 153 of the ADAMTS10 protein (p.Glu153Lys). This variant is present in population databases (rs373995310, gnomAD 0.006%). This variant has not been reported in the literature in individuals affected with ADAMTS10-related conditions. Algorithms developed to predict the effect of missense changes on protein structure and function are either unavailable or do not agree on the potential impact of this missense change (SIFT: "Deleterious"; PolyPhen-2: "Benign"; Align-GVGD: "Class C0"). In summary, the available evidence is currently insufficient to determine the role of this variant in disease. Therefore, it has been classified as a Variant of Uncertain Significance.